The following is an entry in ClinVar:

ClinVar aggregate classification (germline): Benign. Review status: criteria provided, multiple submitters, no conflicts (2 of 4 stars). 8 submissions from 8 submitters: Benign (8). Last evaluated 2026-06-05.

Conditions:
Congenital bile acid synthesis defect 2 (CBAS2). Also called: CHOLESTASIS WITH DELTA(4)-3-OXOSTEROID 5-BETA-REDUCTASE DEFICIENCY. Identifiers: Orphanet 79303, MedGen C1856127, MONDO:0009339, OMIM 235555.

Allele frequency attached by ClinVar (database versions not stated): 1000 Genomes Project 30x 0.78264; TOPMed 0.79517; gnomAD 0.81870; ESP Exome Variant Server 0.82239.
gnomAD v4.1: 1,274,975 of 1,613,284 alleles (79%); highest among the groups gnomAD compares: African/African-American, 88%; 505,334 homozygotes.

Submissions (8):

Women's Health and Genetics/Laboratory Corporation of America, LabCorp
Classification: Benign. Last evaluated: 2026-06-05. Review status: criteria provided, single submitter. Criteria: LabCorp Variant Classification Summary - May 2015. Collection method: clinical testing. Allele origin: germline.

Blueprint Genetics
Classification: Benign. Last evaluated: 2024-11-27. Review status: criteria provided, single submitter. Criteria: ACMG Guidelines, 2015. Collection method: clinical testing. Allele origin: germline.

Mayo Clinic Laboratories, Mayo Clinic
Classification: Benign. Last evaluated: 2022-05-05. Review status: criteria provided, single submitter. Criteria: ACMG Guidelines, 2015. Collection method: clinical testing. Allele origin: germline. Observed: 501 variant alleles.

GeneDx
Classification: Benign. Last evaluated: 2018-11-10. Review status: criteria provided, single submitter. Criteria: GeneDx Variant Classification Process June 2021. Collection method: clinical testing. Allele origin: germline. Affected: yes.

Illumina Laboratory Services, Illumina
Classification: Benign for Congenital bile acid synthesis defect 2. Last evaluated: 2018-01-13. Review status: criteria provided, single submitter. Criteria: ICSL Variant Classification Criteria 13 December 2019. Collection method: clinical testing. Allele origin: germline.
Comment: This variant was observed in the ICSL laboratory as part of a predisposition screen in an ostensibly healthy population. It had not been previously curated by ICSL or reported in the Human Gene Mutation Database (HGMD: prior to June 1st, 2018), and was therefore a candidate for classification through an automated scoring system. Utilizing variant allele frequency, disease prevalence and penetrance estimates, and inheritance mode, an automated score was calculated to assess if this variant is too frequent to cause the disease. Based on the score and internal cut-off values, a variant classified as benign is not then subjected to further curation. The score for this variant resulted in a classification of benign for this disease.

Eurofins Ntd Llc (ga)
Classification: Benign. Last evaluated: 2017-10-05. Review status: criteria provided, single submitter. Criteria: EGL Classification Definitions 2015. Collection method: clinical testing. Allele origin: germline. Observed: 2 variant alleles, 2 heterozygotes.

Breakthrough Genomics
Classification: Benign. Review status: criteria provided, single submitter. Criteria: ACMG Guidelines, 2015. Collection method: not provided. Allele origin: germline. Inheritance: Autosomal recessive inheritance. Affected: yes.

PreventionGenetics, part of Exact Sciences
Classification: Benign. Review status: criteria provided, single submitter. Criteria: ACMG Guidelines, 2015. Collection method: clinical testing. Allele origin: germline.

NM_005989.4(AKR1D1):c.*5A>C

Gene: AKR1D1 (aldo-keto reductase family 1 member D1; plus strand). Cytogenetic location: 7q33.
Variant type: single nucleotide variant.
Coding change: c.*5A>C on transcript NM_005989.4 (MANE Select); 5 bases downstream of the stop codon, A replaced by C.
Molecular consequence: 3 prime UTR variant.
Genome position (GRCh38, 1-based): chr7:138,116,667, A>C. VCF-style: chr7-138116667-A-C. GRCh37 (hg19) VCF-style: chr7-137801413-A-C.
Other names: c.*5A>C (NM_001190906.2); c.*30A>C (NM_001190907.2).
Identifiers: ClinVar variation 259891 (VCV000259891.15), dbSNP rs1872929, ClinGen allele CA4502900.
Genomic context (GRCh38, chr7:138,116,667, plus strand): 5'-ATTGTTTTGGCAGGTGGCGCGATCATCCTGAATACCCATTTCATGATGAATACTGACTGC[A>C]GGGAGTTCCTGAACAGATTTTTCACTCCCACGAGTGCCAAGACGGTGCAATGGGTAGTCC-3'